The following is an entry in ClinVar:

ClinVar aggregate classification (germline): Uncertain significance (1 of 4 stars; one submission).

Conditions:
Hereditary antithrombin deficiency (AT3D). Also called: Antithrombin deficiency; Antithrombin III deficiency; Thrombophilia due to antithrombin III deficiency; Reduced antithrombin III activity. Identifiers: Orphanet 82, MedGen C0272375, MONDO:0013144, OMIM 613118, HP:0001976.

Submission:

Labcorp Genetics (formerly Invitae), Labcorp
Classification: Uncertain significance for Hereditary antithrombin deficiency. Last evaluated: 2019-09-28. Review status: criteria provided, single submitter. Criteria: Invitae Variant Classification Sherloc (09022015). Collection method: clinical testing. Allele origin: germline.
Comment: In summary, the available evidence is currently insufficient to determine the role of this variant in disease. Therefore, it has been classified as a Variant of Uncertain Significance. Algorithms developed to predict the effect of missense changes on protein structure and function are either unavailable or do not agree on the potential impact of this missense change (SIFT: "Deleterious"; PolyPhen-2: "Probably Damaging"; Align-GVGD: "Class C0"). This variant has not been reported in the literature in individuals with SERPINC1-related conditions. This variant is not present in population databases (ExAC no frequency). This sequence change replaces lysine with asparagine at codon 402 of the SERPINC1 protein (p.Lys402Asn). The lysine residue is highly conserved and there is a moderate physicochemical difference between lysine and asparagine.

NM_000488.4(SERPINC1):c.1206G>C (p.Lys402Asn)

Gene: SERPINC1 (serpin family C member 1; minus strand). Cytogenetic location: 1q25.1.
Variant type: single nucleotide variant.
Coding change: c.1206G>C on transcript NM_000488.4 (MANE Select); coding-DNA position 1206, G replaced by C.
Protein change: p.Lys402Asn; replaces lysine 402 with asparagine.
Molecular consequence: missense variant.
Genome position (GRCh38, 1-based): chr1:173,907,462, C>G on the plus strand (G>C on the coding strand, the complement: SERPINC1 is on the minus strand). VCF-style: chr1-173907462-C-G. GRCh37 (hg19) VCF-style: chr1-173876600-C-G.
Other names: c.1062G>C, p.Lys354Asn (NM_001365052.2); c.1329G>C, p.Lys443Asn (NM_001386302.1); c.1287G>C, p.Lys429Asn (NM_001386303.1); c.1185G>C, p.Lys395Asn (NM_001386304.1); c.1149G>C, p.Lys383Asn (NM_001386305.1); c.990G>C, p.Lys330Asn (NM_001386306.1); short protein forms K354N, K402N, K330N, K383N, K395N, K429N, K443N.
Identifiers: ClinVar variation 971901 (VCV000971901.7), dbSNP rs920003404, ClinGen allele CA343772744.